The following is an entry in ClinVar:

NM_005732.4(RAD50):c.445G>T (p.Ala149Ser)

Gene: RAD50 (RAD50 double strand break repair protein; plus strand). Cytogenetic location: 5q31.1.
Variant type: single nucleotide variant.
Coding change: c.445G>T on transcript NM_005732.4 (MANE Select); coding-DNA position 445, G replaced by T.
Protein change: p.Ala149Ser; replaces alanine 149 with serine.
Molecular consequence: missense variant.
Genome position (GRCh38, 1-based): chr5:132,579,396, G>T. VCF-style: chr5-132579396-G-T. GRCh37 (hg19) VCF-style: chr5-131915088-G-T.
Other names: short protein forms A149S.
Identifiers: ClinVar variation 1391682 (VCV001391682.8), dbSNP rs2149837742, ClinGen allele CA360934052.

ClinVar aggregate classification (germline): Conflicting classifications of pathogenicity. Review status: criteria provided, conflicting classifications (1 of 4 stars). 2 submissions from 2 submitters: Uncertain significance (1); Likely benign (1). Last evaluated 2022-09-30.

Conditions:
Hereditary cancer-predisposing syndrome. Also called: Neoplastic Syndromes, Hereditary; Hereditary neoplastic syndrome; Tumor predisposition; Hereditary Cancer Syndrome. Identifiers: Orphanet 140162, MedGen C0027672, MeSH D009386, MONDO:0015356.

Submissions (2):

Ambry Genetics
Classification: Likely benign for Hereditary cancer-predisposing syndrome. Last evaluated: 2022-09-30. Review status: criteria provided, single submitter. Criteria: Ambry Variant Classification Scheme 2023. Collection method: clinical testing. Allele origin: germline.

Labcorp Genetics (formerly Invitae), Labcorp
Classification: Uncertain significance for Hereditary cancer-predisposing syndrome. Last evaluated: 2021-11-14. Review status: criteria provided, single submitter. Criteria: Invitae Variant Classification Sherloc (09022015). Collection method: clinical testing. Allele origin: germline.
Comment: This sequence change replaces alanine, which is neutral and non-polar, with serine, which is neutral and polar, at codon 149 of the RAD50 protein (p.Ala149Ser). In summary, the available evidence is currently insufficient to determine the role of this variant in disease. Therefore, it has been classified as a Variant of Uncertain Significance. Algorithms developed to predict the effect of missense changes on protein structure and function output the following: SIFT: "Tolerated"; PolyPhen-2: "Benign"; Align-GVGD: "Class C0". The serine amino acid residue is found in multiple mammalian species, which suggests that this missense change does not adversely affect protein function. This variant has not been reported in the literature in individuals affected with RAD50-related conditions. This variant is not present in population databases (gnomAD no frequency).